The following is an entry in ClinVar:

NM_176787.5(PIGN):c.2218A>C (p.Met740Leu)

Gene: PIGN (phosphatidylinositol glycan anchor biosynthesis class N; minus strand). Cytogenetic location: 18q21.33.
Variant type: single nucleotide variant.
Coding change: c.2218A>C on transcript NM_176787.5 (MANE Select); coding-DNA position 2218, A replaced by C.
Protein change: p.Met740Leu; replaces methionine 740 with leucine.
Molecular consequence: missense variant.
Genome position (GRCh38, 1-based): chr18:62,090,541, T>G on the plus strand (A>C on the coding strand, the complement: PIGN is on the minus strand). VCF-style: chr18-62090541-T-G. GRCh37 (hg19) VCF-style: chr18-59757774-T-G.
Other names: c.2218A>C, p.Met740Leu (NM_012327.6); short protein forms M740L.
Identifiers: ClinVar variation 1400490 (VCV001400490.6), dbSNP rs2033907844, ClinGen allele CA402602503.

ClinVar aggregate classification (germline): Uncertain significance (1 of 4 stars; one submission).

Conditions:
Multiple congenital anomalies-hypotonia-seizures syndrome 1 (MCAHS1). Also called: PIGN-CDG; Congenital disorder of glycosylation due to PIGN deficiency; GLYCOSYLPHOSPHATIDYLINOSITOL BIOSYNTHESIS DEFECT 3. Identifiers: Orphanet 280633, MedGen C3279775, MONDO:0013563, OMIM 614080.

Allele frequency attached by ClinVar (database versions not stated): TOPMed below 0.00001.

Submission:

Labcorp Genetics (formerly Invitae), Labcorp
Classification: Uncertain significance for Multiple congenital anomalies-hypotonia-seizures syndrome 1. Last evaluated: 2022-02-10. Review status: criteria provided, single submitter. Criteria: Invitae Variant Classification Sherloc (09022015). Collection method: clinical testing. Allele origin: germline.
Comment: In summary, the available evidence is currently insufficient to determine the role of this variant in disease. Therefore, it has been classified as a Variant of Uncertain Significance. Algorithms developed to predict the effect of missense changes on protein structure and function are either unavailable or do not agree on the potential impact of this missense change (SIFT: "Not Available"; PolyPhen-2: "Benign"; Align-GVGD: "Not Available"). This variant has not been reported in the literature in individuals affected with PIGN-related conditions. This variant is not present in population databases (gnomAD no frequency). This sequence change replaces methionine with leucine at codon 740 of the PIGN protein (p.Met740Leu). The methionine residue is moderately conserved and there is a small physicochemical difference between methionine and leucine.